The following is an entry in ClinVar:

ClinVar aggregate classification (germline): Uncertain significance (1 of 4 stars; one submission).

Conditions:
Early-infantile DEE. Also called: Early infantile epileptic encephalopathy; Ohtahara syndrome; Early infantile epileptic encephalopathy with suppression bursts. Identifiers: Orphanet 1934, MedGen C0393706, MONDO:0800491.

Allele frequency attached by ClinVar (database versions not stated): gnomAD exomes below 0.00001.
gnomAD v4.1: 3 of 1,613,628 alleles (0.00019%); highest among the groups gnomAD compares: Non-Finnish European, 0.00017%; no homozygotes.

Submission:

Labcorp Genetics (formerly Invitae), Labcorp
Classification: Uncertain significance for Early-infantile DEE. Last evaluated: 2023-09-03. Review status: criteria provided, single submitter. Criteria: Invitae Variant Classification Sherloc (09022015). Collection method: clinical testing. Allele origin: germline.
Comment: This variant is not present in population databases (gnomAD no frequency). This sequence change replaces aspartic acid, which is acidic and polar, with asparagine, which is neutral and polar, at codon 337 of the GNAO1 protein (p.Asp337Asn). This variant has not been reported in the literature in individuals affected with GNAO1-related conditions. Advanced modeling of protein sequence and biophysical properties (such as structural, functional, and spatial information, amino acid conservation, physicochemical variation, residue mobility, and thermodynamic stability) has been performed at Invitae for this missense variant, however the output from this modeling did not meet the statistical confidence thresholds required to predict the impact of this variant on GNAO1 protein function. In summary, the available evidence is currently insufficient to determine the role of this variant in disease. Therefore, it has been classified as a Variant of Uncertain Significance.

NM_020988.3(GNAO1):c.1009G>A (p.Asp337Asn)

Gene: GNAO1 (G protein subunit alpha o1; plus strand). Cytogenetic location: 16q13.
Variant type: single nucleotide variant.
Coding change: c.1009G>A on transcript NM_020988.3 (MANE Select); coding-DNA position 1009, G replaced by A.
Protein change: p.Asp337Asn; replaces aspartic acid 337 with asparagine.
Molecular consequence: missense variant.
Genome position (GRCh38, 1-based): chr16:56,354,997, G>A. VCF-style: chr16-56354997-G-A. GRCh37 (hg19) VCF-style: chr16-56388909-G-A.
Other names: short protein forms D337N.
Identifiers: ClinVar variation 2903707 (VCV002903707.3), dbSNP rs2543432145, ClinGen allele CA395955275.
Genomic context (GRCh38, chr16:56,354,997, plus strand): 5'-AAAGAAATATATTGTCACATGACTTGTGCCACAGACACGAATAACATCCAGGTGGTGTTC[G>A]ACGCCGTCACCGACATCATCATTGCCAACAACCTCCGGGGCTGCGGCTTGTACTGACCTC-3'
Protein context (NP_066268.1, residues 327-347): TDTNNIQVVF[Asp337Asn]AVTDIIIANN